The following is an entry in ClinVar:

ClinVar aggregate classification (germline): Uncertain significance. Review status: criteria provided, multiple submitters, no conflicts (2 of 4 stars). 2 submissions from 2 submitters: Uncertain significance (2). Last evaluated 2024-03-03.

Conditions:
Cardiovascular phenotype. Identifiers: MedGen CN230736.
Desmin-related myofibrillar myopathy (MFM1). Also called: Desminopathy; Desmin related myopathy (former name); Desmin storage myopathy (former name); MYOFIBRILLAR MYOPATHY WITH ARRHYTHMOGENIC RIGHT VENTRICULAR CARDIOMYOPATHY; DESMIN-RELATED MYOPATHY WITH ARRHYTHMOGENIC RIGHT VENTRICULAR CARDIOMYOPATHY; Myofibrillar myopathy 1. Identifiers: Orphanet 363543, Orphanet 98909, MedGen C1832370, MONDO:0011076, OMIM 601419.

Allele frequency attached by ClinVar (database versions not stated): TOPMed below 0.00001.

Submissions (2):

Labcorp Genetics (formerly Invitae), Labcorp
Classification: Uncertain significance for Desmin-related myofibrillar myopathy. Last evaluated: 2024-03-03. Review status: criteria provided, single submitter. Criteria: Invitae Variant Classification Sherloc (09022015). Collection method: clinical testing. Allele origin: germline.
Comment: This sequence change replaces leucine, which is neutral and non-polar, with valine, which is neutral and non-polar, at codon 385 of the DES protein (p.Leu385Val). This variant is not present in population databases (gnomAD no frequency). This variant has not been reported in the literature in individuals affected with DES-related conditions. ClinVar contains an entry for this variant (Variation ID: 1492439). Advanced modeling of protein sequence and biophysical properties (such as structural, functional, and spatial information, amino acid conservation, physicochemical variation, residue mobility, and thermodynamic stability) has been performed at Invitae for this missense variant, however the output from this modeling did not meet the statistical confidence thresholds required to predict the impact of this variant on DES protein function. This variant disrupts the p.Leu385 amino acid residue in DES. Other variant(s) that disrupt this residue have been determined to be pathogenic (PMID: 11061256). This suggests that this residue is clinically significant, and that variants that disrupt this residue are likely to be disease-causing. In summary, the available evidence is currently insufficient to determine the role of this variant in disease. Therefore, it has been classified as a Variant of Uncertain Significance.

Ambry Genetics
Classification: Uncertain significance for Cardiovascular phenotype. Last evaluated: 2023-01-22. Review status: criteria provided, single submitter. Criteria: Ambry Variant Classification Scheme 2023. Collection method: clinical testing. Allele origin: germline.
Comment: The p.L385V variant (also known as c.1153C>G), located in coding exon 6 of the DES gene, results from a C to G substitution at nucleotide position 1153. The leucine at codon 385 is replaced by valine, an amino acid with highly similar properties. This amino acid position is conserved. In addition, this alteration is predicted to be deleterious by in silico analysis. Since supporting evidence is limited at this time, the clinical significance of this alteration remains unclear.

Literature cited by the submitters: PubMed 11061256 (cited by Labcorp Genetics (formerly Invitae), Labcorp).

NM_001927.4(DES):c.1153C>G (p.Leu385Val)

Gene: DES (desmin; plus strand). Cytogenetic location: 2q35.
Variant type: single nucleotide variant.
Coding change: c.1153C>G on transcript NM_001927.4 (MANE Select); coding-DNA position 1153, C replaced by G.
Protein change: p.Leu385Val; replaces leucine 385 with valine.
Molecular consequence: missense variant. On other transcripts: intron variant (1).
Genome position (GRCh38, 1-based): chr2:219,421,469, C>G. VCF-style: chr2-219421469-C-G. GRCh37 (hg19) VCF-style: chr2-220286191-C-G.
Other names: c.1150C>G, p.Leu384Val (NM_001382708.1); c.1084C>G, p.Leu362Val (NM_001382710.1); c.1132C>G, p.Leu378Val (NM_001382711.1); c.1153C>G, p.Leu385Val (NM_001382712.1); c.883C>G, p.Leu295Val (NM_001382713.1); c.736-15C>G (NM_001382709.1); c.1153C>G (NM_001927.3); short protein forms L378V, L384V, L385V, L295V, L362V.
Identifiers: ClinVar variation 1492439 (VCV001492439.9), dbSNP rs1393155504, ClinGen allele CA350694622.